The following is an entry in ClinVar:

NM_003073.5(SMARCB1):c.690G>A (p.Pro230=)

Gene: SMARCB1 (SWI/SNF related BAF chromatin remodeling complex subunit B1; plus strand). Cytogenetic location: 22q11.23.
Variant type: single nucleotide variant.
Coding change: c.690G>A on transcript NM_003073.5 (MANE Select); coding-DNA position 690, G replaced by A.
Protein change: p.Pro230=; no amino-acid change (proline 230 retained).
Molecular consequence: synonymous variant.
Genome position (GRCh38, 1-based): chr22:23,816,831, G>A. VCF-style: chr22-23816831-G-A. GRCh37 (hg19) VCF-style: chr22-24159018-G-A.
Other names: c.663G>A, p.Pro221= (NM_001007468.3); c.717G>A, p.Pro239= (NM_001317946.2); c.744G>A, p.Pro248= (NM_001362877.2); c.690G>A (LRG_520t1).
Identifiers: ClinVar variation 464333 (VCV000464333.40), dbSNP rs761800288, ClinGen allele CA10146031.

ClinVar aggregate classification (germline): Likely benign. Review status: criteria provided, multiple submitters, no conflicts (2 of 4 stars). 3 submissions from 3 submitters: Likely benign (3). Last evaluated 2025-11-11.

Conditions:
Hereditary cancer-predisposing syndrome. Also called: Hereditary neoplastic syndrome; Neoplastic Syndromes, Hereditary; Hereditary Cancer Syndrome; Tumor predisposition. Identifiers: Orphanet 140162, MedGen C0027672, MeSH D009386, MONDO:0015356.

Allele frequency attached by ClinVar (database versions not stated): gnomAD exomes below 0.00001 and 0.00001; ExAC 0.00001; gnomAD 0.00002.
gnomAD v4.1: 23 of 1,613,802 alleles (0.0014%); highest among the groups gnomAD compares: African/African-American, 0.0027%; no homozygotes.

Submissions (3):

Labcorp Genetics (formerly Invitae), Labcorp
Classification: Likely benign. Last evaluated: 2025-11-11. Review status: criteria provided, single submitter. Criteria: Invitae Variant Classification Sherloc (09022015). Collection method: clinical testing. Allele origin: germline.

CeGaT Center for Human Genetics Tuebingen
Classification: Likely benign. Last evaluated: 2022-07-01. Review status: criteria provided, single submitter. Criteria: CeGaT Center For Human Genetics Tuebingen Variant Classification Criteria Version 2. Collection method: clinical testing. Allele origin: germline. Affected: yes. Observed: 1 variant allele.
Comment: SMARCB1: BP4, BP7

Ambry Genetics
Classification: Likely benign for Hereditary cancer-predisposing syndrome. Last evaluated: 2018-11-21. Review status: criteria provided, single submitter. Criteria: Ambry Variant Classification Scheme 2023. Collection method: clinical testing. Allele origin: germline.